The following is an entry in ClinVar:

ClinVar aggregate classification (germline): Uncertain significance (1 of 4 stars; one submission).

Conditions:
Hereditary spastic paraplegia 47. Also called: CEREBRAL PALSY, SPASTIC QUADRIPLEGIC, 5; adaptor protein 4 (AP-4) deficiency syndrome; Spastic paraplegia 47, autosomal recessive. Identifiers: Orphanet 280763, MedGen C3279738, MONDO:0013551, OMIM 614066.

Submission:

Labcorp Genetics (formerly Invitae), Labcorp
Classification: Uncertain significance for Hereditary spastic paraplegia 47. Last evaluated: 2024-10-22. Review status: criteria provided, single submitter. Criteria: Invitae Variant Classification Sherloc (09022015). Collection method: clinical testing. Allele origin: germline.
Comment: This sequence change replaces glutamic acid, which is acidic and polar, with alanine, which is neutral and non-polar, at codon 388 of the AP4B1 protein (p.Glu388Ala). This variant is not present in population databases (gnomAD no frequency). This variant has not been reported in the literature in individuals affected with AP4B1-related conditions. ClinVar contains an entry for this variant (Variation ID: 952280). Invitae Evidence Modeling of protein sequence and biophysical properties (such as structural, functional, and spatial information, amino acid conservation, physicochemical variation, residue mobility, and thermodynamic stability) indicates that this missense variant is not expected to disrupt AP4B1 protein function with a negative predictive value of 80%. In summary, the available evidence is currently insufficient to determine the role of this variant in disease. Therefore, it has been classified as a Variant of Uncertain Significance.

NM_001253852.3(AP4B1):c.1163A>C (p.Glu388Ala)

Genes: AP4B1 (adaptor related protein complex 4 subunit beta 1; minus strand), AP4B1-AS1 (AP4B1 antisense RNA 1; plus strand). Cytogenetic location: 1p13.2.
Variant type: single nucleotide variant.
Coding change: c.1163A>C on transcript NM_001253852.3 (MANE Select); coding-DNA position 1163, A replaced by C.
Protein change: p.Glu388Ala; replaces glutamic acid 388 with alanine.
Molecular consequence: missense variant.
Genome position (GRCh38, 1-based): chr1:113,898,753, T>G on the plus strand (A>C on the coding strand, the complement: AP4B1 is on the minus strand). VCF-style: chr1-113898753-T-G. GRCh37 (hg19) VCF-style: chr1-114441375-T-G.
Other names: c.866A>C, p.Glu289Ala (NM_001253853.3); c.659A>C, p.Glu220Ala (NM_001308312.2); c.1163A>C, p.Glu388Ala (NM_006594.5); short protein forms E289A, E388A, E220A.
Identifiers: ClinVar variation 952280 (VCV000952280.6), dbSNP rs1667823558, ClinGen allele CA341711632.